The following is an entry in ClinVar:

NM_000321.3(RB1):c.264+3A>T

Gene: RB1 (RB transcriptional corepressor 1; plus strand). Cytogenetic location: 13q14.2.
Variant type: single nucleotide variant.
Coding change: c.264+3A>T on transcript NM_000321.3 (MANE Select); 3 bases into the intron after coding-DNA position 264, A replaced by T.
Molecular consequence: intron variant.
Genome position (GRCh38, 1-based): chr13:48,307,409, A>T. VCF-style: chr13-48307409-A-T. GRCh37 (hg19) VCF-style: chr13-48881545-A-T.
Other names: c.264+3A>T (NM_001407165.1, NM_001407166.1, NM_001407167.1).
Identifiers: ClinVar variation 4530309 (VCV004530309.2).

ClinVar aggregate classification (somatic clinical impact): Tier I - Strong (1 of 4 stars; one submission).
ClinVar aggregate classification (oncogenicity): Uncertain significance (1 of 4 stars; one submission).

Conditions:
Giant cell glioblastoma. Identifiers: Orphanet 251579, MedGen C0334588, MONDO:0016682.
Neoplasm. Also called: Neoplasms; Neoplasm (disease); tumor. Identifiers: MedGen C0027651, MeSH D009369, MONDO:0005070, HP:0002664.

Submissions (2):

Center for Genomic Medicine, Rigshospitalet, Copenhagen University Hospital
Classification: Uncertain significance for Neoplasm. Last evaluated: 2025-12-29. Review status: criteria provided, single submitter. Criteria: ClinGen/CGC/VICC Guidelines for Oncogenicity, 2022. Collection method: clinical testing. Allele origin: somatic. Affected: yes.

Institute for Genomic Medicine (IGM) Clinical Laboratory, Nationwide Children's Hospital
Classification: Tier I - Strong for Giant cell glioblastoma. Assertion type: diagnostic. Clinical significance: supports diagnosis. Last evaluated: 2024-05-24. Review status: criteria provided, single submitter. Criteria: AMP/ASCO/CAP Guidelines, 2017. Collection method: clinical testing. Allele origin: somatic. Affected: yes.
Comment: Variant has Tier I (strong) clinical significance as a diagnostic inclusion criterion in giant cell glioblastoma, based on the following evidence: 1) Documented in one or more cancer databases (e.g., St. Jude Pecan, COSMIC, CIViC, OncoKB). 2) Appears in one or more well-established professional guidelines (e.g., World Health Organization [WHO]; National Comprehensive Cancer Network [NCCN]) as providing diagnostic, prognostic, or therapeutic information. 3) Diagnostic for a specific tumor type/classification based on well-powered studies with expert-level consensus (Evidence Level B; PMIDs: 32642724, 34952640, 33392505, 30861589).

Literature cited by the submitters: PubMed 32642724 (cited by Institute for Genomic Medicine (IGM) Clinical Laboratory, Nationwide Children's Hospital); PubMed 34952640 (cited by Institute for Genomic Medicine (IGM) Clinical Laboratory, Nationwide Children's Hospital); PubMed 33392505 (cited by Institute for Genomic Medicine (IGM) Clinical Laboratory, Nationwide Children's Hospital); PubMed 30861589 (cited by Institute for Genomic Medicine (IGM) Clinical Laboratory, Nationwide Children's Hospital).